The following is an entry in ClinVar:

ClinVar aggregate classification (germline): Pathogenic. Review status: criteria provided, multiple submitters, no conflicts (2 of 4 stars). 2 submissions from 2 submitters: Pathogenic (2). Last evaluated 2024-08-27.

Conditions:
Hermansky-Pudlak syndrome 3 (HPS3). Identifiers: Orphanet 231512, Orphanet 79430, MedGen C3888001, MONDO:0013555, OMIM 614072.

Submissions (2):

GeneDx
Classification: Pathogenic. Last evaluated: 2024-08-27. Review status: criteria provided, single submitter. Criteria: GeneDx Variant Classification Process June 2021. Collection method: clinical testing. Allele origin: germline. Affected: yes.
Comment: Observed with a second HPS3 variant in unrelated patients with Hermansky-Pudlak syndrome in the published literature, but it is not known whether the variants occurred on the same (in cis) or on different (in trans) chromosomes in all cases (PMID: 27593200, 32725903); Nonsense variant predicted to result in protein truncation or nonsense mediated decay in a gene for which loss of function is a known mechanism of disease; Not observed at significant frequency in large population cohorts (gnomAD); This variant is associated with the following publications: (PMID: 31898847, 32725903, 27593200)

Fulgent Genetics
Classification: Pathogenic for Hermansky-Pudlak syndrome 3. Last evaluated: 2024-04-07. Review status: criteria provided, single submitter. Criteria: ACMG Guidelines, 2015. Collection method: clinical testing. Allele origin: germline.

NM_032383.5(HPS3):c.2805G>A (p.Trp935Ter)

Genes: CP (ceruloplasmin; minus strand), HPS3 (HPS3 biogenesis of lysosomal organelles complex 2 subunit 1; plus strand). Cytogenetic location: 3q24.
Variant type: single nucleotide variant.
Coding change: c.2805G>A on transcript NM_032383.5 (MANE Select); coding-DNA position 2805, G replaced by A.
Protein change: p.Trp935Ter; replaces tryptophan 935 with a stop codon.
Molecular consequence: nonsense.
Genome position (GRCh38, 1-based): chr3:149,167,901, G>A. VCF-style: chr3-149167901-G-A. GRCh37 (hg19) VCF-style: chr3-148885688-G-A.
Other names: c.2805G>A (NM_032383.3); c.2310G>A, p.Trp770Ter (NM_001308258.2); short protein forms W935*, W770*.
Identifiers: ClinVar variation 3588688 (VCV003588688.2).
Genomic context (GRCh38, chr3:149,167,901, plus strand): 5'-TCTGAGAATAAAATGCATCAAACTAAAATTTATTCATTTTTTCCTAAGATAGACTCTGTG[G>A]TGGAAAAAACTGTTGCCTGAACTTTGTCAGAGAATAAAATGTGGTGGAGAGAAGTATCAA-3'